The following is an entry in ClinVar:

NM_001013838.3(CARMIL2):c.3541C>T (p.Pro1181Ser)

Gene: CARMIL2 (capping protein regulator and myosin 1 linker 2; plus strand). Cytogenetic location: 16q22.1.
Variant type: single nucleotide variant.
Coding change: c.3541C>T on transcript NM_001013838.3 (MANE Select); coding-DNA position 3541, C replaced by T.
Protein change: p.Pro1181Ser; replaces proline 1181 with serine.
Molecular consequence: missense variant.
Genome position (GRCh38, 1-based): chr16:67,654,651, C>T. VCF-style: chr16-67654651-C-T. GRCh37 (hg19) VCF-style: chr16-67688554-C-T.
Other names: c.3433C>T, p.Pro1145Ser (NM_001317026.3); short protein forms P1145S, P1181S.
Identifiers: ClinVar variation 3675106 (VCV003675106.2).

ClinVar aggregate classification (germline): Uncertain significance (1 of 4 stars; one submission).

Submission:

Labcorp Genetics (formerly Invitae), Labcorp
Classification: Uncertain significance. Last evaluated: 2024-05-17. Review status: criteria provided, single submitter. Criteria: Invitae Variant Classification Sherloc (09022015). Collection method: clinical testing. Allele origin: germline.
Comment: This sequence change replaces proline, which is neutral and non-polar, with serine, which is neutral and polar, at codon 1181 of the CARMIL2 protein (p.Pro1181Ser). This variant is not present in population databases (gnomAD no frequency). This variant has not been reported in the literature in individuals affected with CARMIL2-related conditions. Advanced modeling of protein sequence and biophysical properties (such as structural, functional, and spatial information, amino acid conservation, physicochemical variation, residue mobility, and thermodynamic stability) performed at Invitae indicates that this missense variant is not expected to disrupt CARMIL2 protein function with a negative predictive value of 80%. In summary, the available evidence is currently insufficient to determine the role of this variant in disease. Therefore, it has been classified as a Variant of Uncertain Significance.